The following is an entry in ClinVar:

NM_014629.4(ARHGEF10):c.2242C>G (p.Leu748Val)

Genes: ARHGEF10 (Rho guanine nucleotide exchange factor 10; plus strand), LOC126860281 (CDK7 strongly-dependent group 2 enhancer GRCh37_chr8:1870370-1871569; plus strand). Cytogenetic location: 8p23.3.
Variant type: single nucleotide variant.
Coding change: c.2242C>G on transcript NM_014629.4 (MANE Select); coding-DNA position 2242, C replaced by G.
Protein change: p.Leu748Val; replaces leucine 748 with valine.
Molecular consequence: missense variant.
Genome position (GRCh38, 1-based): chr8:1,923,062, C>G. VCF-style: chr8-1923062-C-G. GRCh37 (hg19) VCF-style: chr8-1871228-C-G.
Other names: c.2128C>G, p.Leu710Val (NM_001308152.2, NM_001438094.1); c.2242C>G, p.Leu748Val (NM_001308153.3); c.2245C>G, p.Leu749Val (NM_001438091.1); c.2125C>G, p.Leu709Val (NM_001438092.1, NM_001438093.1); short protein forms L710V, L709V, L772V, L748V, L749V.
Identifiers: ClinVar variation 4770586 (VCV004770586.1).

ClinVar aggregate classification (germline): Uncertain significance (1 of 4 stars; one submission).

gnomAD v4.1: 2 of 1,609,284 alleles (0.00012%); highest among the groups gnomAD compares: Admixed American, 0.0033%; no homozygotes.

Submission:

Labcorp Genetics (formerly Invitae), Labcorp
Classification: Uncertain significance. Last evaluated: 2025-04-11. Review status: criteria provided, single submitter. Criteria: Invitae Variant Classification Sherloc (09022015). Collection method: clinical testing. Allele origin: germline.
Comment: This sequence change replaces leucine, which is neutral and non-polar, with valine, which is neutral and non-polar, at codon 748 of the ARHGEF10 protein (p.Leu748Val). This variant is not present in population databases (gnomAD no frequency). This variant has not been reported in the literature in individuals affected with ARHGEF10-related conditions. Invitae Evidence Modeling of protein sequence and biophysical properties (such as structural, functional, and spatial information, amino acid conservation, physicochemical variation, residue mobility, and thermodynamic stability) indicates that this missense variant is expected to disrupt ARHGEF10 protein function with a positive predictive value of 80%. In summary, the available evidence is currently insufficient to determine the role of this variant in disease. Therefore, it has been classified as a Variant of Uncertain Significance.